The following is an entry in ClinVar:

ClinVar aggregate classification (germline): Conflicting classifications of pathogenicity. Review status: criteria provided, conflicting classifications (1 of 4 stars). 10 submissions from 10 submitters: Uncertain significance (4); Likely benign (6). Last evaluated 2026-10-07.

Conditions:
von Willebrand disease type 2 (VWD2). Also called: VON WILLEBRAND DISEASE, TYPE 2A/IIE; VON WILLEBRAND DISEASE, TYPE 2CB; VON WILLEBRAND DISEASE, TYPE II; VWD, TYPE 2. Identifiers: Orphanet 166081, Orphanet 903, MedGen C1264040, MONDO:0013304, OMIM 613554.
von Willebrand disease type 1 (VWD1). Also called: VON WILLEBRAND DISEASE, TYPE I; VWD, TYPE 1. Identifiers: Orphanet 166078, Orphanet 903, MedGen C1264039, MONDO:0008668, OMIM 193400. Inheritance: autosomal recessive or autosomal dominant.

Allele frequency attached by ClinVar (database versions not stated): 1000 Genomes Project 30x 0.00031; 1000 Genomes Project 0.00040; ExAC 0.00116; gnomAD 0.00124 and 0.00125; gnomAD exomes 0.00124 and 0.00147; TOPMed 0.00128; ESP Exome Variant Server 0.00161.
gnomAD v4.1: 2,345 of 1,614,110 alleles (0.15%); highest among the groups gnomAD compares: Admixed American, 0.22%; 6 homozygotes.

Submissions (10):

GeneDx
Classification: Uncertain significance. Last evaluated: 2026-10-07. Review status: criteria provided, single submitter. Criteria: GeneDx Variant Classification Process June 2021. Collection method: clinical testing. Allele origin: germline.
Comment: RNA studies demonstrate a damaging effect: analysis shows skipping of exon 6 with a minor aberrant transcript (PMID: 30361419); Observed with a variant on the opposite allele (in trans) in a patient with type 1 von Willebrand disease (VWD) in the published literature (PMID: 30361419); Observed with a variant in cis and a variant in trans in a patient with type 3 VWD in the published literature (PMID: 30361419, 19277422); This variant is associated with the following publications: (PMID: 19277422, 36307006, 34708896, 28971901, 31249928, 38532595, 34494337, 21251206, 30361419)

Center for Genomic Medicine, Rigshospitalet, Copenhagen University Hospital
Classification: Uncertain significance. Last evaluated: 2025-12-29. Review status: criteria provided, single submitter. Criteria: ACMG Guidelines, 2015. Collection method: clinical testing. Allele origin: germline.

Quest Diagnostics Nichols Institute San Juan Capistrano
Classification: Likely benign. Last evaluated: 2025-06-26. Review status: criteria provided, single submitter. Criteria: Quest Diagnostics criteria. Collection method: clinical testing. Allele origin: unknown.

Blueprint Genetics
Classification: Likely benign. Last evaluated: 2024-11-27. Review status: criteria provided, single submitter. Criteria: ACMG Guidelines, 2015. Collection method: clinical testing. Allele origin: germline.

Mayo Clinic Laboratories, Mayo Clinic
Classification: Likely benign. Last evaluated: 2024-11-26. Review status: criteria provided, single submitter. Criteria: ACMG Guidelines, 2015. Collection method: clinical testing. Allele origin: germline. Observed: 1 variant allele.
Comment: BS3_supporting, BP2

Women's Health and Genetics/Laboratory Corporation of America, LabCorp
Classification: Likely benign. Last evaluated: 2023-11-27. Review status: criteria provided, single submitter. Criteria: LabCorp Variant Classification Summary - May 2015. Collection method: clinical testing. Allele origin: germline.

Institute of Human Genetics, Clinical Exome/Genome Diagnostics Group, University Hospital Bonn
Classification: Uncertain significance for von Willebrand disease type 2. Last evaluated: 2021-11-26. Review status: criteria provided, single submitter. Criteria: ACMG Guidelines, 2015. Collection method: clinical testing. Allele origin: inherited. Affected: yes.

CeGaT Center for Human Genetics Tuebingen
Classification: Likely benign. Last evaluated: 2019-05-01. Review status: criteria provided, single submitter. Criteria: CeGaT Center For Human Genetics Tuebingen Variant Classification Criteria Version 2. Collection method: clinical testing. Allele origin: germline. Affected: yes. Observed: 1 variant allele.

ISTH-SSC Genomics in Thrombosis and Hemostasis, KU Leuven, Center for Molecular and Vascular Biology
Classification: Uncertain significance for von Willebrand disease type 1. Review status: criteria provided, single submitter. Criteria: ACMG Guidelines, 2015. Collection method: clinical testing. Allele origin: germline. Affected: yes. Observed: 1 heterozygote.
Comment: Submitted to GoldVariant by Kathleen Freson, Center for Molecular and Vascular Biology, Leuven, Belgium

PreventionGenetics, part of Exact Sciences
Classification: Likely benign. Review status: criteria provided, single submitter. Criteria: ACMG Guidelines, 2015. Collection method: clinical testing. Allele origin: germline.

Literature cited by the submitters: PubMed 30361419 (cited by 3 submitters); PubMed 34708896 (cited by Quest Diagnostics Nichols Institute San Juan Capistrano and Mayo Clinic Laboratories, Mayo Clinic); PubMed 28971901 (cited by Quest Diagnostics Nichols Institute San Juan Capistrano); PubMed 34494337 (cited by Quest Diagnostics Nichols Institute San Juan Capistrano and Mayo Clinic Laboratories, Mayo Clinic); PubMed 19277422 (cited by Quest Diagnostics Nichols Institute San Juan Capistrano); PubMed 21251206 (cited by Quest Diagnostics Nichols Institute San Juan Capistrano and Mayo Clinic Laboratories, Mayo Clinic); PubMed 38532595 (cited by Quest Diagnostics Nichols Institute San Juan Capistrano); PubMed 31249928 (cited by Mayo Clinic Laboratories, Mayo Clinic); PubMed 27535533 (cited by ISTH-SSC Genomics in Thrombosis and Hemostasis, KU Leuven, Center for Molecular and Vascular Biology).

NM_000552.5(VWF):c.546G>A (p.Ser182=)

Gene: VWF (von Willebrand factor; minus strand). Cytogenetic location: 12p13.31.
Variant type: single nucleotide variant.
Coding change: c.546G>A on transcript NM_000552.5 (MANE Select); coding-DNA position 546, G replaced by A.
Protein change: p.Ser182=; no amino-acid change (serine 182 retained).
Molecular consequence: synonymous variant.
Genome position (GRCh38, 1-based): chr12:6,095,571, C>T on the plus strand (G>A on the coding strand, the complement: VWF is on the minus strand). VCF-style: chr12-6095571-C-T. GRCh37 (hg19) VCF-style: chr12-6204737-C-T.
Other names: p.Ser182=.
Identifiers: ClinVar variation 256684 (VCV000256684.58), dbSNP rs143054357, ClinGen allele CA6403759.